The following is an entry in ClinVar:

ClinVar aggregate classification (germline): Conflicting classifications of pathogenicity. Review status: criteria provided, conflicting classifications (1 of 4 stars). 5 submissions from 5 submitters: Uncertain significance (1); Likely benign (2). 2 of the submissions do not count toward it. Last evaluated 2026-05-13.

Conditions:
Ellis-van Creveld syndrome (EVC). Also called: Chondroectodermal dysplasia; MESOECTODERMAL DYSPLASIA. Identifiers: Orphanet 289, MedGen C0013903, MONDO:0009162, OMIM 225500.
EVC-related disorder. Also called: EVC-related disorders; EVC-related condition.
Curry-Hall syndrome (WAD). Also called: WEYERS ACRODENTAL DYSOSTOSIS. Identifiers: Orphanet 952, MedGen C0457013, MONDO:0008673, OMIM 193530.

Allele frequency attached by ClinVar (database versions not stated): gnomAD exomes 0.00001 and 0.00004; gnomAD 0.00004; ExAC 0.00006; TOPMed 0.00007.
gnomAD v4.1: 38 of 1,566,406 alleles (0.0024%); highest among the groups gnomAD compares: East Asian, 0.036%; no homozygotes.

Submissions (5):

Women's Health and Genetics/Laboratory Corporation of America, LabCorp
Classification: Likely benign. Last evaluated: 2026-05-13. Review status: criteria provided, single submitter. Criteria: LabCorp Variant Classification Summary - May 2015. Collection method: clinical testing. Allele origin: germline.

Labcorp Genetics (formerly Invitae), Labcorp
Classification: Likely benign for Curry-Hall syndrome; Ellis-van Creveld syndrome. Last evaluated: 2025-08-25. Review status: criteria provided, single submitter. Criteria: Invitae Variant Classification Sherloc (09022015). Collection method: clinical testing. Allele origin: germline.

Illumina Laboratory Services, Illumina
Classification: Uncertain significance for Ellis-van Creveld syndrome. Last evaluated: 2018-01-13. Review status: criteria provided, single submitter. Criteria: ICSL Variant Classification Criteria 13 December 2019. Collection method: clinical testing. Allele origin: germline.

Natera, Inc.
Classification: Likely benign for Ellis-van Creveld syndrome. Last evaluated: 2020-04-21. Review status: no assertion criteria provided. Collection method: clinical testing. Allele origin: germline. Not counted in ClinVar's aggregate classification.

PreventionGenetics, part of Exact Sciences
Classification: Likely benign for EVC-related condition. Last evaluated: 2020-01-20. Review status: no assertion criteria provided. Collection method: clinical testing. Allele origin: germline. Not counted in ClinVar's aggregate classification.
Comment: This variant is classified as likely benign based on ACMG/AMP sequence variant interpretation guidelines (Richards et al. 2015 PMID: 25741868, with internal and published modifications).

NM_153717.3(EVC):c.717T>A (p.Ile239=)

Gene: EVC (EvC ciliary complex subunit 1; plus strand). Cytogenetic location: 4p16.2.
Variant type: single nucleotide variant.
Coding change: c.717T>A on transcript NM_153717.3 (MANE Select); coding-DNA position 717, T replaced by A.
Protein change: p.Ile239=; no amino-acid change (isoleucine 239 retained).
Molecular consequence: synonymous variant.
Genome position (GRCh38, 1-based): chr4:5,741,730, T>A. VCF-style: chr4-5741730-T-A. GRCh37 (hg19) VCF-style: chr4-5743457-T-A.
Other names: c.717T>A, p.Ile239= (NM_001306090.2, NM_001306092.2).
Identifiers: ClinVar variation 766779 (VCV000766779.19), dbSNP rs372312182, ClinGen allele CA2835831.